The following is an entry in ClinVar:

NM_021927.3(GUF1):c.1479+3A>C

Gene: GUF1 (GTP binding elongation factor GUF1; plus strand). Cytogenetic location: 4p12.
Variant type: single nucleotide variant.
Coding change: c.1479+3A>C on transcript NM_021927.3 (MANE Select); 3 bases into the intron after coding-DNA position 1479, A replaced by C.
Molecular consequence: intron variant.
Genome position (GRCh38, 1-based): chr4:44,690,863, A>C. VCF-style: chr4-44690863-A-C. GRCh37 (hg19) VCF-style: chr4-44692880-A-C.
Other names: c.1479+3A>C (NM_001345868.2); c.507+3A>C (NM_001345867.2, NM_001345869.2).
Identifiers: ClinVar variation 4696354 (VCV004696354.1).

ClinVar aggregate classification (germline): Uncertain significance (1 of 4 stars; one submission).

Submission:

Labcorp Genetics (formerly Invitae), Labcorp
Classification: Uncertain significance. Last evaluated: 2025-09-27. Review status: criteria provided, single submitter. Criteria: Invitae Variant Classification Sherloc (09022015). Collection method: clinical testing. Allele origin: germline.
Comment: This sequence change falls in intron 12 of the GUF1 gene. It does not directly change the encoded amino acid sequence of the GUF1 protein. It affects a nucleotide within the consensus splice site. This variant is not present in population databases (gnomAD no frequency). This variant has not been reported in the literature in individuals affected with GUF1-related conditions. Variants that disrupt the consensus splice site are a relatively common cause of aberrant splicing (PMID: 17576681, 9536098). Algorithms developed to predict the effect of sequence changes on RNA splicing suggest that this variant may disrupt the consensus splice site. In summary, the available evidence is currently insufficient to determine the role of this variant in disease. Therefore, it has been classified as a Variant of Uncertain Significance.

Literature cited by the submitters: PubMed 17576681; PubMed 9536098.